The following is an entry in ClinVar:

ClinVar aggregate classification (germline): Likely benign (0 of 4 stars; one submission).

Conditions:
MYT1-related disorder. Also called: MYT1-related condition.

Allele frequency attached by ClinVar (database versions not stated): gnomAD 0.00005; ExAC 0.00007; ESP Exome Variant Server 0.00008; TOPMed 0.00013; gnomAD exomes 0.00021.
gnomAD v4.1: 302 of 1,612,940 alleles (0.019%); highest among the groups gnomAD compares: Non-Finnish European, 0.024%; no homozygotes.

Submission:

PreventionGenetics, part of Exact Sciences
Classification: Likely benign for MYT1-related condition. Last evaluated: 2019-07-12. Review status: no assertion criteria provided. Collection method: clinical testing. Allele origin: germline.
Comment: This variant is classified as likely benign based on ACMG/AMP sequence variant interpretation guidelines (Richards et al. 2015 PMID: 25741868, with internal and published modifications).

NM_004535.3(MYT1):c.2835C>T (p.Thr945=)

Gene: MYT1 (myelin transcription factor 1; plus strand). Cytogenetic location: 20q13.33.
Variant type: single nucleotide variant.
Coding change: c.2835C>T on transcript NM_004535.3 (MANE Select); coding-DNA position 2835, C replaced by T.
Protein change: p.Thr945=; no amino-acid change (threonine 945 retained).
Molecular consequence: synonymous variant.
Genome position (GRCh38, 1-based): chr20:64,232,323, C>T. VCF-style: chr20-64232323-C-T. GRCh37 (hg19) VCF-style: chr20-62863676-C-T.
Identifiers: ClinVar variation 3050284 (VCV003050284.2), dbSNP rs375707234, ClinGen allele CA9975337.